The following is an entry in ClinVar:

ClinVar aggregate classification (germline): Benign. Review status: criteria provided, multiple submitters, no conflicts (2 of 4 stars). 16 submissions from 12 submitters: Benign (12). 4 of the submissions do not count toward it. Last evaluated 2026-02-04.

Conditions:
Spinal muscular atrophy, infantile, James type. Also called: GARS1 Infantile-Onset Spinal Muscular Atrophy (GARS1-iSMA). Identifiers: MedGen C5436669, MONDO:0033621, OMIM 619042.
Distal spinal muscular atrophy. Also called: Distal hereditary motor neuronopathy; Distal hereditary motor neuropathy. Identifiers: Orphanet 53739, MedGen C0393541, MONDO:0018894.
Charcot-Marie-Tooth disease. Also called: Charcot-Marie-Tooth Neuropathy; Charcot-Marie-Tooth Hereditary Neuropathy. Identifiers: Orphanet 166, MedGen C0007959, MONDO:0015626.
Charcot-Marie-Tooth disease type 2. Also called: Charcot-Marie-Tooth type 2. Identifiers: Orphanet 64746, MedGen C0270914, MONDO:0018993.
Charcot-Marie-Tooth disease type 2D (CMT2D). Also called: CHARCOT-MARIE-TOOTH DISEASE, AXONAL, TYPE 2D; CHARCOT-MARIE-TOOTH DISEASE, NEURONAL, TYPE 2D; Charcot-Marie-Tooth Neuropathy Type 2D; GARS1 Adolescent- or Early Adult-Onset Hereditary Motor/Sensory Neuropathy (GARS1-HMSN). Identifiers: Orphanet 99938, MedGen C1832274, MONDO:0011091, OMIM 601472.
Neuronopathy, distal hereditary motor, type 5A (HMND5). Also called: DHMN VA; Distal Spinal Muscular Atrophy V; NEURONOPATHY, DISTAL HEREDITARY MOTOR, AUTOSOMAL DOMINANT 5; Distal Spinal Muscular Atrophy V (dSMA-V). Identifiers: Orphanet 139536, MedGen CN031873, MONDO:0015353, OMIM 600794.

Allele frequency attached by ClinVar (database versions not stated): 1000 Genomes Project 30x 0.64491; 1000 Genomes Project 0.64936; TOPMed 0.69596; gnomAD 0.70073; ESP Exome Variant Server 0.73988.

Submissions (16):

Labcorp Genetics (formerly Invitae), Labcorp
Classification: Benign for Charcot-Marie-Tooth disease type 2. Last evaluated: 2026-02-04. Review status: criteria provided, single submitter. Criteria: Invitae Variant Classification Sherloc (09022015). Collection method: clinical testing. Allele origin: germline.

Genome-Nilou Lab
Classification: Benign for Charcot-Marie-Tooth disease type 2D. Last evaluated: 2021-08-10. Review status: criteria provided, single submitter. Criteria: ACMG Guidelines, 2015. Collection method: clinical testing. Allele origin: germline. Affected: no.

Genome-Nilou Lab
Classification: Benign for Neuronopathy, distal hereditary motor, type 5A. Last evaluated: 2021-08-10. Review status: criteria provided, single submitter. Criteria: ACMG Guidelines, 2015. Collection method: clinical testing. Allele origin: germline. Affected: no.

Genome-Nilou Lab
Classification: Benign for Spinal muscular atrophy, infantile, James type. Last evaluated: 2021-08-10. Review status: criteria provided, single submitter. Criteria: ACMG Guidelines, 2015. Collection method: clinical testing. Allele origin: germline. Affected: no.

Athena Diagnostics
Classification: Benign. Last evaluated: 2021-05-03. Review status: criteria provided, single submitter. Criteria: Athena Diagnostics criteria. Collection method: clinical testing. Allele origin: unknown.

Mendelics
Classification: Benign for Charcot-Marie-Tooth disease type 2D. Last evaluated: 2019-05-28. Review status: criteria provided, single submitter. Criteria: Mendelics Assertion Criteria 2017. Collection method: clinical testing. Allele origin: unknown.

Illumina Laboratory Services, Illumina
Classification: Benign for Charcot-Marie-Tooth disease type 2D. Last evaluated: 2018-01-13. Review status: criteria provided, single submitter. Criteria: ICSL Variant Classification Criteria 13 December 2019. Collection method: clinical testing. Allele origin: germline.
Comment: This variant was observed in the ICSL laboratory as part of a predisposition screen in an ostensibly healthy population. It had not been previously curated by ICSL or reported in the Human Gene Mutation Database (HGMD: prior to June 1st, 2018), and was therefore a candidate for classification through an automated scoring system. Utilizing variant allele frequency, disease prevalence and penetrance estimates, and inheritance mode, an automated score was calculated to assess if this variant is too frequent to cause the disease. Based on the score and internal cut-off values, a variant classified as benign is not then subjected to further curation. The score for this variant resulted in a classification of benign for this disease.

Illumina Laboratory Services, Illumina
Classification: Benign for Distal hereditary motor neuronopathy type 5. Last evaluated: 2018-01-13. Review status: criteria provided, single submitter. Criteria: ICSL Variant Classification Criteria 13 December 2019. Collection method: clinical testing. Allele origin: germline.
Comment: the same text as in the submission from Illumina Laboratory Services, Illumina above.

Illumina Laboratory Services, Illumina
Classification: Benign for Distal Spinal Muscular Atrophy. Last evaluated: 2018-01-13. Review status: criteria provided, single submitter. Criteria: ICSL Variant Classification Criteria 13 December 2019. Collection method: clinical testing. Allele origin: germline.
Comment: the same text as in the submission from Illumina Laboratory Services, Illumina above.

GeneDx
Classification: Benign. Last evaluated: 2015-03-03. Review status: criteria provided, single submitter. Criteria: GeneDx Variant Classification Process June 2021. Collection method: clinical testing. Allele origin: germline. Affected: yes.

Molecular Genetics Laboratory, London Health Sciences Centre
Classification: Benign for Charcot-Marie-Tooth disease. Review status: criteria provided, single submitter. Criteria: ACMG Guidelines, 2015. Collection method: clinical testing. Allele origin: germline. Affected: yes.

PreventionGenetics, part of Exact Sciences
Classification: Benign. Review status: criteria provided, single submitter. Criteria: ACMG Guidelines, 2015. Collection method: clinical testing. Allele origin: germline.

Mayo Clinic Laboratories, Mayo Clinic
Classification: Benign. Last evaluated: 2016-02-15. Review status: no assertion criteria provided. Collection method: clinical testing. Allele origin: unknown. Not counted in ClinVar's aggregate classification.

Clinical Genetics, Academic Medical Center
Classification: Benign. Review status: no assertion criteria provided. Collection method: clinical testing. Allele origin: germline. Affected: yes. Study: VKGL Data-share Consensus. Not counted in ClinVar's aggregate classification.

Diagnostic Laboratory, Department of Genetics, University Medical Center Groningen
Classification: Benign. Review status: no assertion criteria provided. Collection method: clinical testing. Allele origin: germline. Affected: yes. Study: VKGL Data-share Consensus. Not counted in ClinVar's aggregate classification.

Joint Genome Diagnostic Labs from Nijmegen and Maastricht, Radboudumc and MUMC+
Classification: Benign. Review status: no assertion criteria provided. Collection method: clinical testing. Allele origin: germline. Affected: yes. Study: VKGL Data-share Consensus. Not counted in ClinVar's aggregate classification.

NM_002047.4(GARS1):c.124C>G (p.Pro42Ala)

Gene: GARS1 (glycyl-tRNA synthetase 1; plus strand). Cytogenetic location: 7p14.3.
Variant type: single nucleotide variant.
Coding change: c.124C>G on transcript NM_002047.4 (MANE Select); coding-DNA position 124, C replaced by G.
Protein change: p.Pro42Ala; replaces proline 42 with alanine.
Molecular consequence: missense variant. On other transcripts: 5 prime UTR variant (1).
Genome position (GRCh38, 1-based): chr7:30,595,045, C>G. VCF-style: chr7-30595045-C-G. GRCh37 (hg19) VCF-style: chr7-30634661-C-G.
Other names: c.-39C>G (NM_001316772.1); c.124C>G (LRG_243t1); short protein forms P42A.
Identifiers: ClinVar variation 258532 (VCV000258532.31), dbSNP rs1049402, ClinGen allele CA4205594.